The following is an entry in ClinVar:

ClinVar aggregate classification (germline): Pathogenic/Likely pathogenic. Review status: criteria provided, multiple submitters, no conflicts (2 of 4 stars). 4 submissions from 4 submitters: Pathogenic (2); Likely pathogenic (1). 1 of the submissions does not count toward it. Last evaluated 2025-09-10.

Conditions:
CNGB3-related disorder. Also called: CNGB3-related condition; CNGB3-related disorders. Identifiers: MedGen CN239340.
Achromatopsia 3 (ACHM3). Also called: ACHROMATOPSIA WITH MYOPIA; PINGELAPESE BLINDNESS; TOTAL COLORBLINDNESS WITH MYOPIA; ROD MONOCHROMACY 1; ROD MONOCHROMATISM 1. Identifiers: Orphanet 49382, MedGen C1849792, MONDO:0009875, OMIM 262300.

Submissions (4):

PreventionGenetics, part of Exact Sciences
Classification: Pathogenic for CNGB3-related condition. Last evaluated: 2025-09-10. Review status: criteria provided, single submitter. Criteria: ACMG Guidelines, 2015. Collection method: clinical testing. Allele origin: germline.
Comment: The CNGB3 c.1005dupT variant is predicted to result in premature protein termination (p.Glu336*). To our knowledge, this variant has not been reported in individuals with CNGB3-related retinal disease. However, an alternate nucleotide change resulting in the same premature termination (c.1006G>T; p.Glu336*) has been reported in the homozygous state or along with a second causative variant in CNGB3 in individuals with achromatopsia or inherited retinal diseases (see for example: Kohl et al. 2000. PubMed ID: 10958649; Table S1, Lin et al. 2024. PubMed ID: 38219857; Table S2, Weisschuh et al. 2020. PubMed ID: 32531858). This variant has not been reported in a large population database, indicating this variant is rare. Nonsense variants in CNGB3 are expected to be pathogenic. This variant is interpreted as pathogenic.

Fulgent Genetics
Classification: Likely pathogenic for Achromatopsia 3. Last evaluated: 2024-03-14. Review status: criteria provided, single submitter. Criteria: ACMG Guidelines, 2015. Collection method: clinical testing. Allele origin: germline.

Labcorp Genetics (formerly Invitae), Labcorp
Classification: Pathogenic. Last evaluated: 2023-05-10. Review status: criteria provided, single submitter. Criteria: Invitae Variant Classification Sherloc (09022015). Collection method: clinical testing. Allele origin: germline.
Comment: This sequence change creates a premature translational stop signal (p.Glu336*) in the CNGB3 gene. It is expected to result in an absent or disrupted protein product. Loss-of-function variants in CNGB3 are known to be pathogenic (PMID: 28795510). This variant is not present in population databases (gnomAD no frequency). This premature translational stop signal has been observed in individual(s) with achromatopsia (PMID: 10958649, 32531858). For these reasons, this variant has been classified as Pathogenic. ClinVar contains an entry for this variant (Variation ID: 427656).

Molecular Genetics Laboratory, Institute for Ophthalmic Research
Classification: Pathogenic for ACHM3. Last evaluated: 2017-03-27. Review status: no assertion criteria provided. Collection method: research. Allele origin: unknown. Affected: yes. Not counted in ClinVar's aggregate classification.

Literature cited by the submitters: PubMed 28795510 (cited by Labcorp Genetics (formerly Invitae), Labcorp and Molecular Genetics Laboratory, Institute for Ophthalmic Research); PubMed 10958649 (cited by Labcorp Genetics (formerly Invitae), Labcorp); PubMed 32531858 (cited by Labcorp Genetics (formerly Invitae), Labcorp).

NM_019098.5(CNGB3):c.1005dup (p.Glu336Ter)

Gene: CNGB3 (cyclic nucleotide gated channel subunit beta 3; minus strand). Cytogenetic location: 8q21.3.
Variant type: Duplication.
Coding change: c.1005dup on transcript NM_019098.5 (MANE Select); coding-DNA position 1005, one base duplicated (T; older notation c.1005dupT).
Protein change: p.Glu336Ter; replaces glutamic acid 336 with a stop codon.
Molecular consequence: nonsense.
Genome position (GRCh38, 1-based): chr8:86,644,672, A duplicated on the plus strand (T on the coding strand, the reverse complement: CNGB3 is on the minus strand); the first of 6 consecutive A bases (chr8:86,644,672-86,644,677); duplicating any one gives the same sequence. VCF-style (leftmost placement, unchanged base first): chr8-86644671-C-CA. GRCh37 (hg19) VCF-style: chr8-87656899-C-CA.
Other names: c.1005dupT (NM_019098.4); short protein forms E336*.
Identifiers: ClinVar variation 427656 (VCV000427656.6), dbSNP rs1554611860, ClinGen allele CA582917085.